The following is an entry in ClinVar:

ClinVar aggregate classification (germline): Uncertain significance (1 of 4 stars; one submission).

Allele frequency attached by ClinVar (database versions not stated): gnomAD 0.00001; gnomAD exomes 0.00001; TOPMed 0.00003.

Submission:

Labcorp Genetics (formerly Invitae), Labcorp
Classification: Uncertain significance. Last evaluated: 2022-11-01. Review status: criteria provided, single submitter. Criteria: Invitae Variant Classification Sherloc (09022015). Collection method: clinical testing. Allele origin: germline.
Comment: This sequence change replaces glycine, which is neutral and non-polar, with valine, which is neutral and non-polar, at codon 34 of the SLC1A2 protein (p.Gly34Val). This variant is present in population databases (no rsID available, gnomAD 0.003%). In summary, the available evidence is currently insufficient to determine the role of this variant in disease. Therefore, it has been classified as a Variant of Uncertain Significance. Algorithms developed to predict the effect of missense changes on protein structure and function (SIFT, PolyPhen-2, Align-GVGD) all suggest that this variant is likely to be tolerated. This variant has not been reported in the literature in individuals affected with SLC1A2-related conditions.

NM_004171.4(SLC1A2):c.101G>T (p.Gly34Val)

Gene: SLC1A2 (solute carrier family 1 member 2; minus strand). Cytogenetic location: 11p13.
Variant type: single nucleotide variant.
Coding change: c.101G>T on transcript NM_004171.4 (MANE Select); coding-DNA position 101, G replaced by T.
Protein change: p.Gly34Val; replaces glycine 34 with valine.
Molecular consequence: missense variant.
Genome position (GRCh38, 1-based): chr11:35,317,433, C>A on the plus strand (G>T on the coding strand, the complement: SLC1A2 is on the minus strand). VCF-style: chr11-35317433-C-A. GRCh37 (hg19) VCF-style: chr11-35338980-C-A.
Other names: c.74G>T, p.Gly25Val (NM_001195728.3, NM_001252652.2); short protein forms G25V, G34V.
Identifiers: ClinVar variation 2050704 (VCV002050704.4), dbSNP rs1385126459, ClinGen allele CA380131349.
Genomic context (GRCh38, chr11:35,317,433, plus strand): 5'-CTACCAAACACCGTCAGGGTGAGCAGCAGATTCTTCCCCAGCTTGTCACACAGGCGCAGG[C>A]CCAGGTGCCGGTGCTTGGGTTCCTCTGAGCCAAGATGACTGTCGTGCATTCGCACTTCCA-3'
Protein context (NP_004162.2, residues 24-44): GSEEPKHRHL[Gly34Val]LRLCDKLGKN